The following is an entry in ClinVar:

ClinVar aggregate classification (germline): Pathogenic. Review status: criteria provided, multiple submitters, no conflicts (2 of 4 stars). 2 submissions from 2 submitters: Pathogenic (2). Last evaluated 2024-12-05.

Conditions:
Familial adenomatous polyposis 1 (FAP1). Also called: FAMILIAL ADENOMATOUS POLYPOSIS 1, ATTENUATED; POLYPOSIS, ADENOMATOUS INTESTINAL. Identifiers: MedGen C2713442, MONDO:0021056, OMIM 175100. Disease mechanism: loss of function.

Submissions (2):

Molecular Pathology, Peter Maccallum Cancer Centre
Classification: Pathogenic for Familial adenomatous polyposis 1. Last evaluated: 2024-12-05. Review status: criteria provided, single submitter. Criteria: ACMG Guidelines, 2015. Collection method: clinical testing. Allele origin: germline. Inheritance: Autosomal dominant inheritance.

Labcorp Genetics (formerly Invitae), Labcorp
Classification: Pathogenic for Familial adenomatous polyposis 1. Last evaluated: 2022-05-16. Review status: criteria provided, single submitter. Criteria: Invitae Variant Classification Sherloc (09022015). Collection method: clinical testing. Allele origin: germline.
Comment: For these reasons, this variant has been classified as Pathogenic. This variant has not been reported in the literature in individuals affected with APC-related conditions. This variant is not present in population databases (gnomAD no frequency). This sequence change creates a premature translational stop signal (p.Glu241*) in the APC gene. It is expected to result in an absent or disrupted protein product. Loss-of-function variants in APC are known to be pathogenic (PMID: 17963004, 20685668).

Literature cited by the submitters: PubMed 17963004 (cited by Labcorp Genetics (formerly Invitae), Labcorp); PubMed 20685668 (cited by Labcorp Genetics (formerly Invitae), Labcorp).

NM_000038.6(APC):c.721G>T (p.Glu241Ter)

Gene: APC (APC regulator of Wnt signaling pathway; plus strand). Cytogenetic location: 5q22.2.
Variant type: single nucleotide variant.
Coding change: c.721G>T on transcript NM_000038.6 (MANE Select); coding-DNA position 721, G replaced by T.
Protein change: p.Glu241Ter; replaces glutamic acid 241 with a stop codon.
Molecular consequence: nonsense. On other transcripts: 5 prime UTR variant (1), intron variant (2).
Genome position (GRCh38, 1-based): chr5:112,792,521, G>T. VCF-style: chr5-112792521-G-T. GRCh37 (hg19) VCF-style: chr5-112128218-G-T.
Other names: c.721G>T, p.Glu241Ter (NM_001127510.3, NM_001354895.2, NM_001354896.2 and 12 more transcripts); c.751G>T, p.Glu251Ter (NM_001354897.2, NM_001354902.2, NM_001407446.1); c.646G>T, p.Glu216Ter (NM_001354898.2, NM_001354904.2, NM_001407451.1); c.544G>T, p.Glu182Ter (NM_001354900.2, NM_001354901.2, NM_001354905.2 and 1 more transcripts); c.-315G>T (NM_001354906.2, NM_001407470.1, NM_001407471.1 and 1 more transcripts); c.676-8758G>T (NM_001127511.3); c.646-8758G>T (NM_001354899.2); c.721G>T (NM_000038.5); short protein forms E216*, E241*, E251*, E182*.
Identifiers: ClinVar variation 1995008 (VCV001995008.5), dbSNP rs777603154, ClinGen allele CA16022907.